The following is an entry in ClinVar:

NM_001009944.3(PKD1):c.6778A>T (p.Ile2260Phe)

Gene: PKD1 (polycystin 1, transient receptor potential channel interacting; minus strand). Cytogenetic location: 16p13.3.
Variant type: single nucleotide variant.
Coding change: c.6778A>T on transcript NM_001009944.3 (MANE Select); coding-DNA position 6778, A replaced by T.
Protein change: p.Ile2260Phe; replaces isoleucine 2260 with phenylalanine.
Molecular consequence: missense variant.
Genome position (GRCh38, 1-based): chr16:2,108,389, T>A on the plus strand (A>T on the coding strand, the complement: PKD1 is on the minus strand). VCF-style: chr16-2108389-T-A. GRCh37 (hg19) VCF-style: chr16-2158390-T-A.
Other names: c.6778A>T, p.Ile2260Phe (NM_000296.4); short protein forms I2260F.
Identifiers: ClinVar variation 2579489 (VCV002579489.1), dbSNP rs1251817986, ClinGen allele CA394372909.

ClinVar aggregate classification (germline): Uncertain significance (1 of 4 stars; one submission).

Allele frequency attached by ClinVar (database versions not stated): gnomAD 0.00001; TOPMed 0.00001.
gnomAD v4.1: 2 of 1,610,432 alleles (0.00012%); highest among the groups gnomAD compares: Non-Finnish European, 0.00017%; no homozygotes.

Submission:

GeneDx
Classification: Uncertain significance. Last evaluated: 2023-03-08. Review status: criteria provided, single submitter. Criteria: GeneDx Variant Classification Process June 2021. Collection method: clinical testing. Allele origin: germline. Affected: yes.
Comment: Not observed at significant frequency in large population cohorts (gnomAD); In silico analysis supports that this missense variant has a deleterious effect on protein structure/function; Has not been previously published as pathogenic or benign to our knowledge